The following is an entry in ClinVar:

NM_000492.4(CFTR):c.1153T>C (p.Tyr385His)

Gene: CFTR (CF transmembrane conductance regulator; plus strand). Cytogenetic location: 7q31.2.
Variant type: single nucleotide variant.
Coding change: c.1153T>C on transcript NM_000492.4 (MANE Select); coding-DNA position 1153, T replaced by C.
Protein change: p.Tyr385His; replaces tyrosine 385 with histidine.
Molecular consequence: missense variant.
Genome position (GRCh38, 1-based): chr7:117,542,052, T>C. VCF-style: chr7-117542052-T-C. GRCh37 (hg19) VCF-style: chr7-117182106-T-C.
Other names: short protein forms Y385H.
Identifiers: ClinVar variation 864657 (VCV000864657.7), dbSNP rs1799062001, ClinGen allele CA368980006.

ClinVar aggregate classification (germline): Uncertain significance. Review status: criteria provided, multiple submitters, no conflicts (2 of 4 stars). 2 submissions from 2 submitters: Uncertain significance (2). Last evaluated 2024-08-24.

Conditions:
Cystic fibrosis (CF). Also called: MUCOVISCIDOSIS. Identifiers: Orphanet 586, MedGen C0010674, MONDO:0009061, OMIM 219700. Disease mechanism: loss of function.

Submissions (2):

Ambry Genetics
Classification: Uncertain significance for Cystic fibrosis. Last evaluated: 2024-08-24. Review status: criteria provided, single submitter. Criteria: Ambry Variant Classification Scheme 2023. Collection method: clinical testing. Allele origin: germline.
Comment: The p.Y385H variant (also known as c.1153T>C), located in coding exon 9 of the CFTR gene, results from a T to C substitution at nucleotide position 1153. The tyrosine at codon 385 is replaced by histidine, an amino acid with similar properties. This amino acid position is conserved. In addition, this alteration is predicted to be deleterious by in silico analysis. Based on the available evidence, the clinical significance of this variant remains unclear.

Labcorp Genetics (formerly Invitae), Labcorp
Classification: Uncertain significance for Cystic fibrosis. Last evaluated: 2021-09-01. Review status: criteria provided, single submitter. Criteria: Invitae Variant Classification Sherloc (09022015). Collection method: clinical testing. Allele origin: germline.
Comment: This sequence change replaces tyrosine with histidine at codon 385 of the CFTR protein (p.Tyr385His). The tyrosine residue is moderately conserved and there is a moderate physicochemical difference between tyrosine and histidine. This variant is not present in population databases (ExAC no frequency). This variant has not been reported in the literature in individuals affected with CFTR-related conditions. Algorithms developed to predict the effect of missense changes on protein structure and function are either unavailable or do not agree on the potential impact of this missense change (SIFT: "Deleterious"; PolyPhen-2: "Benign"; Align-GVGD: "Class C0"). In summary, the available evidence is currently insufficient to determine the role of this variant in disease. Therefore, it has been classified as a Variant of Uncertain Significance.